The following is an entry in ClinVar:

ClinVar aggregate classification (germline): Uncertain significance (1 of 4 stars; one submission).

Allele frequency attached by ClinVar (database versions not stated): ExAC 0.00001; gnomAD 0.00001; gnomAD exomes 0.00001 and 0.00003; TOPMed 0.00001.

Submission:

Labcorp Genetics (formerly Invitae), Labcorp
Classification: Uncertain significance. Last evaluated: 2022-08-06. Review status: criteria provided, single submitter. Criteria: Invitae Variant Classification Sherloc (09022015). Collection method: clinical testing. Allele origin: germline.
Comment: This sequence change replaces arginine, which is basic and polar, with cysteine, which is neutral and slightly polar, at codon 334 of the LOXL3 protein (p.Arg334Cys). This variant is present in population databases (rs201446673, gnomAD 0.009%). This variant has not been reported in the literature in individuals affected with LOXL3-related conditions. ClinVar contains an entry for this variant (Variation ID: 1378401). Algorithms developed to predict the effect of missense changes on protein structure and function are either unavailable or do not agree on the potential impact of this missense change (SIFT: "Deleterious"; PolyPhen-2: "Possibly Damaging"; Align-GVGD: "Class C15"). In summary, the available evidence is currently insufficient to determine the role of this variant in disease. Therefore, it has been classified as a Variant of Uncertain Significance.

NM_032603.5(LOXL3):c.1000C>T (p.Arg334Cys)

Gene: LOXL3 (lysyl oxidase like 3; minus strand). Cytogenetic location: 2p13.1.
Variant type: single nucleotide variant.
Coding change: c.1000C>T on transcript NM_032603.5 (MANE Select); coding-DNA position 1000, C replaced by T.
Protein change: p.Arg334Cys; replaces arginine 334 with cysteine.
Molecular consequence: missense variant. On other transcripts: 5 prime UTR variant (1).
Genome position (GRCh38, 1-based): chr2:74,536,384, G>A on the plus strand (C>T on the coding strand, the complement: LOXL3 is on the minus strand). VCF-style: chr2-74536384-G-A. GRCh37 (hg19) VCF-style: chr2-74763511-G-A.
Other names: c.565C>T, p.Arg189Cys (NM_001289164.3); c.-84C>T (NM_001289165.2); short protein forms R189C, R334C.
Identifiers: ClinVar variation 1378401 (VCV001378401.3), dbSNP rs201446673, ClinGen allele CA1729011.